The following is an entry in ClinVar:

NM_001368397.1(FRMPD4):c.3046A>T (p.Met1016Leu)

Gene: FRMPD4 (FERM and PDZ domain containing 4; plus strand). Cytogenetic location: Xp22.2.
Variant type: single nucleotide variant.
Coding change: c.3046A>T on transcript NM_001368397.1 (MANE Select); coding-DNA position 3046, A replaced by T.
Protein change: p.Met1016Leu; replaces methionine 1016 with leucine.
Molecular consequence: missense variant.
Genome position (GRCh38, 1-based): chrX:12,717,872, A>T. VCF-style: chrX-12717872-A-T. GRCh37 (hg19) VCF-style: chrX-12735991-A-T.
Other names: c.3157A>T, p.Met1053Leu (NM_001368395.3, NM_001368398.3); c.3052A>T, p.Met1018Leu (NM_001368396.3); c.3037A>T, p.Met1013Leu (NM_001368399.3); c.2926A>T, p.Met976Leu (NM_001368400.3); c.3022A>T, p.Met1008Leu (NM_001368401.1, NM_001368402.3); c.3046A>T, p.Met1016Leu (NM_014728.3); short protein forms M1008L, M1013L, M1016L, M1018L, M1053L, M976L.
Identifiers: ClinVar variation 1698471 (VCV001698471.1), dbSNP rs2042125862, ClinGen allele CA412316774.

ClinVar aggregate classification (germline): Uncertain significance (1 of 4 stars; one submission).

Submission:

Women's Health and Genetics/Laboratory Corporation of America, LabCorp
Classification: Uncertain significance. Last evaluated: 2022-06-03. Review status: criteria provided, single submitter. Criteria: LabCorp Variant Classification Summary - May 2015. Collection method: clinical testing. Allele origin: germline.
Comment: Variant summary: FRMPD4 c.3046A>T (p.Met1016Leu) results in a conservative amino acid change in the encoded protein sequence. Five of five in-silico tools predict a benign effect of the variant on protein function. The variant was absent in 183406 control chromosomes (gnomAD). The available data on variant occurrences in the general population are insufficient to allow any conclusion about variant significance. To our knowledge, no occurrence of c.3046A>T in individuals affected with X-Linked Intellectual Disability 104 and no experimental evidence demonstrating its impact on protein function have been reported. No clinical diagnostic laboratories have submitted clinical-significance assessments for this variant to ClinVar after 2014. Based on the evidence outlined above, the variant was classified as uncertain significance.